The following is an entry in ClinVar:

ClinVar aggregate classification (germline): Uncertain significance (1 of 4 stars; one submission).

Conditions:
Encephalopathy, acute, infection-induced (herpes-specific), susceptibility to, 1. Also called: Herpes simplex encephalitis, susceptibility to, 1. Identifiers: Orphanet 1930, MedGen C2750180, MONDO:0024563, OMIM 610551.

Submission:

Labcorp Genetics (formerly Invitae), Labcorp
Classification: Uncertain significance for Encephalopathy, acute, infection-induced (herpes-specific), susceptibility to, 1. Last evaluated: 2022-09-09. Review status: criteria provided, single submitter. Criteria: Invitae Variant Classification Sherloc (09022015). Collection method: clinical testing. Allele origin: germline.
Comment: This sequence change replaces phenylalanine, which is neutral and non-polar, with leucine, which is neutral and non-polar, at codon 644 of the TLR3 protein (p.Phe644Leu). In summary, the available evidence is currently insufficient to determine the role of this variant in disease. Therefore, it has been classified as a Variant of Uncertain Significance. Algorithms developed to predict the effect of missense changes on protein structure and function (SIFT, PolyPhen-2, Align-GVGD) all suggest that this variant is likely to be tolerated. This variant has not been reported in the literature in individuals affected with TLR3-related conditions. This variant is not present in population databases (gnomAD no frequency).

NM_003265.3(TLR3):c.1930T>C (p.Phe644Leu)

Gene: TLR3 (toll like receptor 3; plus strand). Cytogenetic location: 4q35.1.
Variant type: single nucleotide variant.
Coding change: c.1930T>C on transcript NM_003265.3 (MANE Select); coding-DNA position 1930, T replaced by C.
Protein change: p.Phe644Leu; replaces phenylalanine 644 with leucine.
Molecular consequence: missense variant.
Genome position (GRCh38, 1-based): chr4:186,083,616, T>C. VCF-style: chr4-186083616-T-C. GRCh37 (hg19) VCF-style: chr4-187004770-T-C.
Other names: short protein forms F644L.
Identifiers: ClinVar variation 1719098 (VCV001719098.6), dbSNP rs2478228543, ClinGen allele CA358934558.